The following is an entry in ClinVar:

ClinVar aggregate classification (germline): Uncertain significance (1 of 4 stars; one submission).

Conditions:
Familial sleep-related hypermotor epilepsy. Also called: Autosomal Dominant Sleep-Related Hypermotor (Hyperkinetic) Epilepsy. Identifiers: Orphanet 98784, MedGen C3696898, MONDO:0000030.

Submission:

Labcorp Genetics (formerly Invitae), Labcorp
Classification: Uncertain significance. Last evaluated: 2022-08-16. Review status: criteria provided, single submitter. Criteria: Invitae Variant Classification Sherloc (09022015). Collection method: clinical testing. Allele origin: germline.
Comment: This premature translational stop signal has been observed in at least one individual who was not affected with CHRNA4-related conditions (Invitae). In summary, the available evidence is currently insufficient to determine the role of this variant in disease. Therefore, it has been classified as a Variant of Uncertain Significance. This sequence change creates a premature translational stop signal (p.Glu501Argfs*19) in the CHRNA4 gene. It is expected to result in an absent or disrupted protein product. However, the current clinical and genetic evidence is not sufficient to establish whether loss-of-function variants in CHRNA4 cause disease. This variant is not present in population databases (gnomAD no frequency). This variant has not been reported in the literature in individuals affected with CHRNA4-related conditions.

NM_000744.7(CHRNA4):c.1500dup (p.Glu501fs)

Gene: CHRNA4 (cholinergic receptor nicotinic alpha 4 subunit; minus strand). Cytogenetic location: 20q13.33.
Variant type: Duplication.
Coding change: c.1500dup on transcript NM_000744.7 (MANE Select); coding-DNA position 1500, one base duplicated (C; older notation c.1500dupC).
Protein change: p.Glu501fs; shifts the reading frame from glutamic acid 501.
Molecular consequence: frameshift variant. On other transcripts: non-coding transcript variant (1).
Genome position (GRCh38, 1-based): chr20:63,349,911, G duplicated on the plus strand (C on the coding strand, the reverse complement: CHRNA4 is on the minus strand); the first of 5 consecutive G bases (chr20:63,349,911-63,349,915); duplicating any one gives the same sequence. VCF-style (leftmost placement, unchanged base first): chr20-63349910-C-CG. GRCh37 (hg19) VCF-style: chr20-61981262-C-CG.
Other names: c.972dup, p.Glu325fs (NM_001256573.2); short protein forms E501fs, E325fs.
Identifiers: ClinVar variation 2098357 (VCV002098357.4), dbSNP rs2516537732, ClinGen allele CA2580098400.